The following is an entry in ClinVar:

NM_001171613.2(PREPL):c.640G>C (p.Val214Leu)

Gene: PREPL (prolyl endopeptidase like; minus strand). Cytogenetic location: 2p21.
Variant type: single nucleotide variant.
Coding change: c.640G>C on transcript NM_001171613.2 (MANE Select); coding-DNA position 640, G replaced by C.
Protein change: p.Val214Leu; replaces valine 214 with leucine.
Molecular consequence: missense variant.
Genome position (GRCh38, 1-based): chr2:44,339,209, C>G on the plus strand (G>C on the coding strand, the complement: PREPL is on the minus strand). VCF-style: chr2-44339209-C-G. GRCh37 (hg19) VCF-style: chr2-44566348-C-G.
Other names: c.907G>C, p.Val303Leu (NM_001042385.2, NM_001042386.2, NM_001171603.1 and 4 more transcripts); c.640G>C, p.Val214Leu (NM_001171617.1, NM_001374277.1); short protein forms V303L, V214L.
Identifiers: ClinVar variation 1930801 (VCV001930801.5), dbSNP rs932155365, ClinGen allele CA46547424.

ClinVar aggregate classification (germline): Uncertain significance (1 of 4 stars; one submission).

Conditions:
Myasthenic syndrome, congenital, 22 (CMS22). Also called: PREPL DEFICIENCY. Identifiers: MedGen C4479088, MONDO:0044299, OMIM 616224.

Allele frequency attached by ClinVar (database versions not stated): gnomAD exomes below 0.00001; TOPMed below 0.00001.
gnomAD v4.1: 8 of 1,613,930 alleles (0.0005%); highest among the groups gnomAD compares: Non-Finnish European, 0.00059%; no homozygotes.

Submission:

Labcorp Genetics (formerly Invitae), Labcorp
Classification: Uncertain significance for Myasthenic syndrome, congenital, 22. Last evaluated: 2024-10-23. Review status: criteria provided, single submitter. Criteria: Invitae Variant Classification Sherloc (09022015). Collection method: clinical testing. Allele origin: germline.
Comment: This sequence change replaces valine, which is neutral and non-polar, with leucine, which is neutral and non-polar, at codon 303 of the PREPL protein (p.Val303Leu). This variant is not present in population databases (gnomAD no frequency). This variant has not been reported in the literature in individuals affected with PREPL-related conditions. ClinVar contains an entry for this variant (Variation ID: 1930801). Invitae Evidence Modeling of protein sequence and biophysical properties (such as structural, functional, and spatial information, amino acid conservation, physicochemical variation, residue mobility, and thermodynamic stability) indicates that this missense variant is not expected to disrupt PREPL protein function with a negative predictive value of 80%. In summary, the available evidence is currently insufficient to determine the role of this variant in disease. Therefore, it has been classified as a Variant of Uncertain Significance.